The following is an entry in ClinVar:

NM_182919.4(TICAM1):c.731C>T (p.Pro244Leu)

Gene: TICAM1 (TIR domain containing adaptor molecule 1; minus strand). Cytogenetic location: 19p13.3.
Variant type: single nucleotide variant.
Coding change: c.731C>T on transcript NM_182919.4 (MANE Select); coding-DNA position 731, C replaced by T.
Protein change: p.Pro244Leu; replaces proline 244 with leucine.
Molecular consequence: missense variant.
Genome position (GRCh38, 1-based): chr19:4,817,647, G>A on the plus strand (C>T on the coding strand, the complement: TICAM1 is on the minus strand). VCF-style: chr19-4817647-G-A. GRCh37 (hg19) VCF-style: chr19-4817659-G-A.
Other names: short protein forms P244L.
Identifiers: ClinVar variation 842575 (VCV000842575.10), dbSNP rs2093589331, ClinGen allele CA403491796.
Genomic context (GRCh38, chr19:4,817,647, plus strand): 5'-GGGCTGGCAATCTCCCCCGATGGCGGCCAGCTCATCTCCTCAGGCTCCTGGCAGCCACCG[G>A]GGACAGGCTCGGGCACCAAGCTGGCCTGGGGGTCGTCACAGAGCTTGCTGGGCCCATGTG-3'
Protein context (NP_891549.1, residues 234-254): PQASLVPEPV[Pro244Leu]GGCQEPEEMS

ClinVar aggregate classification (germline): Uncertain significance (1 of 4 stars; one submission).

Conditions:
Encephalopathy, acute, infection-induced (herpes-specific), susceptibility to, 6. Also called: Herpes simplex encephalitis, susceptibility to, 4. Identifiers: Orphanet 1930, MedGen C3553869, MONDO:0013921, OMIM 614850.

Allele frequency attached by ClinVar (database versions not stated): TOPMed below 0.00001; gnomAD 0.00001.
gnomAD v4.1: 3 of 1,584,382 alleles (0.00019%); highest among the groups gnomAD compares: Admixed American, 0.0018%; no homozygotes.

Submission:

Labcorp Genetics (formerly Invitae), Labcorp
Classification: Uncertain significance for Encephalopathy, acute, infection-induced (herpes-specific), susceptibility to, 6. Last evaluated: 2019-11-27. Review status: criteria provided, single submitter. Criteria: Invitae Variant Classification Sherloc (09022015). Collection method: clinical testing. Allele origin: germline.
Comment: In summary, the available evidence is currently insufficient to determine the role of this variant in disease. Therefore, it has been classified as a Variant of Uncertain Significance. Algorithms developed to predict the effect of missense changes on protein structure and function are either unavailable or do not agree on the potential impact of this missense change (SIFT: "Deleterious"; PolyPhen-2: "Probably Damaging"; Align-GVGD: "Class C0"). This variant has not been reported in the literature in individuals with TICAM1-related conditions. This variant is not present in population databases (ExAC no frequency). This sequence change replaces proline with leucine at codon 244 of the TICAM1 protein (p.Pro244Leu). The proline residue is moderately conserved and there is a moderate physicochemical difference between proline and leucine.